The following is an entry in ClinVar:

NM_024675.4(PALB2):c.451C>A (p.Gln151Lys)

Gene: PALB2 (partner and localizer of BRCA2; minus strand). Cytogenetic location: 16p12.2.
Variant type: single nucleotide variant.
Coding change: c.451C>A on transcript NM_024675.4 (MANE Select); coding-DNA position 451, C replaced by A.
Protein change: p.Gln151Lys; replaces glutamine 151 with lysine.
Molecular consequence: missense variant.
Genome position (GRCh38, 1-based): chr16:23,636,095, G>T on the plus strand (C>A on the coding strand, the complement: PALB2 is on the minus strand). VCF-style: chr16-23636095-G-T. GRCh37 (hg19) VCF-style: chr16-23647416-G-T.
Other names: short protein forms Q151K.
Identifiers: ClinVar variation 1477964 (VCV001477964.9), dbSNP rs587776407, ClinGen allele CA395137220.

ClinVar aggregate classification (germline): Uncertain significance (1 of 4 stars; one submission).

Conditions:
Familial cancer of breast. Also called: hereditary breast carcinoma; Hereditary breast cancer; BREAST CANCER, FAMILIAL. Identifiers: Orphanet 227535, MedGen C0346153, MONDO:0016419, OMIM 114480. Disease mechanism: loss of function.

Allele frequency attached by ClinVar (database versions not stated): gnomAD exomes below 0.00001.
gnomAD v4.1: 1 of 1,613,806 alleles (0.000062%); highest among the groups gnomAD compares: South Asian, 0.0011%; no homozygotes.

Submission:

Labcorp Genetics (formerly Invitae), Labcorp
Classification: Uncertain significance for Familial cancer of breast. Last evaluated: 2025-05-14. Review status: criteria provided, single submitter. Criteria: Invitae Variant Classification Sherloc (09022015). Collection method: clinical testing. Allele origin: germline.
Comment: This sequence change replaces glutamine, which is neutral and polar, with lysine, which is basic and polar, at codon 151 of the PALB2 protein (p.Gln151Lys). This variant is present in population databases (no rsID available, gnomAD 0.003%). This variant has not been reported in the literature in individuals affected with PALB2-related conditions. ClinVar contains an entry for this variant (Variation ID: 1477964). An algorithm developed to predict the effect of missense changes on protein structure and function (PolyPhen-2) suggests that this variant is likely to be tolerated. In summary, the available evidence is currently insufficient to determine the role of this variant in disease. Therefore, it has been classified as a Variant of Uncertain Significance.